The following is an entry in ClinVar:

ClinVar aggregate classification (germline): Uncertain significance. Review status: criteria provided, multiple submitters, no conflicts (2 of 4 stars). 3 submissions from 3 submitters: Uncertain significance (3). Last evaluated 2025-01-08.

Conditions:
Inborn genetic diseases. Identifiers: MedGen C0950123, MeSH D030342.

Allele frequency attached by ClinVar (database versions not stated): gnomAD exomes below 0.00001; TOPMed 0.00002; gnomAD 0.00003.

Submissions (3):

Ambry Genetics
Classification: Uncertain significance for Inborn genetic diseases. Last evaluated: 2025-01-08. Review status: criteria provided, single submitter. Criteria: Ambry Variant Classification Scheme 2023. Collection method: clinical testing. Allele origin: germline.

Labcorp Genetics (formerly Invitae), Labcorp
Classification: Uncertain significance. Last evaluated: 2023-08-18. Review status: criteria provided, single submitter. Criteria: Invitae Variant Classification Sherloc (09022015). Collection method: clinical testing. Allele origin: germline.
Comment: This sequence change replaces asparagine, which is neutral and polar, with serine, which is neutral and polar, at codon 393 of the CLCN7 protein (p.Asn393Ser). This variant is not present in population databases (gnomAD no frequency). This variant has not been reported in the literature in individuals affected with CLCN7-related conditions. ClinVar contains an entry for this variant (Variation ID: 2570920). An algorithm developed to predict the effect of missense changes on protein structure and function (PolyPhen-2) suggests that this variant is likely to be disruptive. In summary, the available evidence is currently insufficient to determine the role of this variant in disease. Therefore, it has been classified as a Variant of Uncertain Significance.

CeGaT Center for Human Genetics Tuebingen
Classification: Uncertain significance. Last evaluated: 2023-05-01. Review status: criteria provided, single submitter. Criteria: CeGaT Center For Human Genetics Tuebingen Variant Classification Criteria Version 2. Collection method: clinical testing. Allele origin: germline. Affected: yes. Observed: 1 variant allele.
Comment: CLCN7: PS2:Supporting

NM_001287.6(CLCN7):c.1178A>G (p.Asn393Ser)

Gene: CLCN7 (Cl-/H+ antiporter 7; minus strand). Cytogenetic location: 16p13.3.
Variant type: single nucleotide variant.
Coding change: c.1178A>G on transcript NM_001287.6 (MANE Select); coding-DNA position 1178, A replaced by G.
Protein change: p.Asn393Ser; replaces asparagine 393 with serine.
Molecular consequence: missense variant.
Genome position (GRCh38, 1-based): chr16:1,453,870, T>C on the plus strand (A>G on the coding strand, the complement: CLCN7 is on the minus strand). VCF-style: chr16-1453870-T-C. GRCh37 (hg19) VCF-style: chr16-1503871-T-C.
Other names: c.1178A>G (NM_001287.4); c.1106A>G, p.Asn369Ser (NM_001114331.3); short protein forms N369S, N393S.
Identifiers: ClinVar variation 2570920 (VCV002570920.31), dbSNP rs1024724740, ClinGen allele CA276676398.